The following is an entry in ClinVar:

ClinVar aggregate classification (germline): Likely benign (1 of 4 stars; one submission).

gnomAD v4.1: 43 of 1,471,140 alleles (0.0029%); highest among the groups gnomAD compares: Non-Finnish European, 0.0037%; no homozygotes.

Submission:

Mayo Clinic Laboratories, Mayo Clinic
Classification: Likely benign. Last evaluated: 2025-02-27. Review status: criteria provided, single submitter. Criteria: ACMG Guidelines, 2015. Collection method: clinical testing. Allele origin: germline. Observed: 1 variant allele.
Comment: BP4, BP7

NM_018082.6(POLR3B):c.2453-9T>C

Gene: POLR3B (RNA polymerase III subunit B; plus strand). Cytogenetic location: 12q23.3.
Variant type: single nucleotide variant.
Coding change: c.2453-9T>C on transcript NM_018082.6 (MANE Select); 9 bases into the intron before coding-DNA position 2453, T replaced by C.
Molecular consequence: intron variant.
Genome position (GRCh38, 1-based): chr12:106,459,242, T>C. VCF-style: chr12-106459242-T-C. GRCh37 (hg19) VCF-style: chr12-106853020-T-C.
Other names: p.?; c.2279-9T>C (NM_001160708.2).
Identifiers: ClinVar variation 4683771 (VCV004683771.1).